The following is an entry in ClinVar:

ClinVar aggregate classification (germline): Likely benign (1 of 4 stars; one submission).

Submission:

CeGaT Center for Human Genetics Tuebingen
Classification: Likely benign. Last evaluated: 2024-12-01. Review status: criteria provided, single submitter. Criteria: CeGaT Center For Human Genetics Tuebingen Variant Classification Criteria Version 2. Collection method: clinical testing. Allele origin: germline. Affected: yes. Observed: 2 variant alleles.
Comment: PROC: PM2:Supporting, BP4, BP7

NM_000312.4(PROC):c.400+29C>G

Gene: PROC (protein C, inactivator of coagulation factors Va and VIIIa; plus strand). Cytogenetic location: 2q14.3.
Variant type: single nucleotide variant.
Coding change: c.400+29C>G on transcript NM_000312.4 (MANE Select); 29 bases into the intron after coding-DNA position 400, C replaced by G.
Molecular consequence: intron variant. On other transcripts: synonymous variant (3).
Genome position (GRCh38, 1-based): chr2:127,423,200, C>G. VCF-style: chr2-127423200-C-G. GRCh37 (hg19) VCF-style: chr2-128180776-C-G.
Other names: c.492C>G, p.Gly164= (NM_001375603.1); c.429C>G, p.Gly143= (NM_001375605.1); c.513C>G, p.Gly171= (NM_001375607.1); c.400+29C>G (NM_001375611.1, NM_001375608.1, NM_001375613.1); c.583+29C>G (NM_001375602.1); c.394+29C>G (NM_001375610.1); c.568+16C>G (NM_001375606.1); c.463+29C>G (NM_001375604.1); and 1 more.
Identifiers: ClinVar variation 2651331 (VCV002651331.24), dbSNP rs1001565169, ClinGen allele CA55345323.